The following is an entry in ClinVar:

NM_182493.3(MYLK3):c.1025T>C (p.Met342Thr)

Gene: MYLK3 (myosin light chain kinase 3; minus strand). Cytogenetic location: 16q11.2.
Variant type: single nucleotide variant.
Coding change: c.1025T>C on transcript NM_182493.3 (MANE Select); coding-DNA position 1025, T replaced by C.
Protein change: p.Met342Thr; replaces methionine 342 with threonine.
Molecular consequence: missense variant. On other transcripts: initiator codon variant (1).
Genome position (GRCh38, 1-based): chr16:46,732,645, A>G on the plus strand (T>C on the coding strand, the complement: MYLK3 is on the minus strand). VCF-style: chr16-46732645-A-G. GRCh37 (hg19) VCF-style: chr16-46766557-A-G.
Other names: c.2T>C, p.Met1Thr (NM_001308301.1); short protein forms M1T, M342T.
Identifiers: ClinVar variation 1523525 (VCV001523525.6), dbSNP rs2143015144, ClinGen allele CA395793205.

ClinVar aggregate classification (germline): Uncertain significance (1 of 4 stars; one submission).

Allele frequency attached by ClinVar (database versions not stated): gnomAD exomes below 0.00001.
gnomAD v4.1: 4 of 1,536,114 alleles (0.00026%); highest among the groups gnomAD compares: Admixed American, 0.002%; no homozygotes.

Submission:

Labcorp Genetics (formerly Invitae), Labcorp
Classification: Uncertain significance. Last evaluated: 2022-04-03. Review status: criteria provided, single submitter. Criteria: Invitae Variant Classification Sherloc (09022015). Collection method: clinical testing. Allele origin: germline.
Comment: This variant has not been reported in the literature in individuals affected with MYLK3-related conditions. This sequence change replaces methionine, which is neutral and non-polar, with threonine, which is neutral and polar, at codon 342 of the MYLK3 protein (p.Met342Thr). This variant is not present in population databases (gnomAD no frequency). Algorithms developed to predict the effect of missense changes on protein structure and function output the following: SIFT: "Tolerated"; PolyPhen-2: "Benign"; Align-GVGD: "Class C0". The threonine amino acid residue is found in multiple mammalian species, which suggests that this missense change does not adversely affect protein function. In summary, the available evidence is currently insufficient to determine the role of this variant in disease. Therefore, it has been classified as a Variant of Uncertain Significance.